The following is an entry in ClinVar:

NM_032383.5(HPS3):c.1246_1247insT (p.Ala416fs)

Gene: HPS3 (HPS3 biogenesis of lysosomal organelles complex 2 subunit 1; plus strand). Cytogenetic location: 3q24.
Variant type: Insertion.
Coding change: c.1246_1247insT on transcript NM_032383.5 (MANE Select); coding-DNA positions 1246 to 1247, T inserted.
Protein change: p.Ala416fs; shifts the reading frame from alanine 416.
Molecular consequence: frameshift variant.
Genome position: GRCh38 VCF-style: chr3-149153494-G-GT. GRCh37 (hg19) VCF-style: chr3-148871281-G-GT.
Other names: c.751_752insT, p.Ala251fs (NM_001308258.2); short protein forms A251fs, A416fs.
Identifiers: ClinVar variation 2676088 (VCV002676088.4), dbSNP rs2473099287, ClinGen allele CA2695199302.

ClinVar aggregate classification (germline): Pathogenic/Likely pathogenic. Review status: criteria provided, multiple submitters, no conflicts (2 of 4 stars). 2 submissions from 2 submitters: Pathogenic (1); Likely pathogenic (1). Last evaluated 2023-11-14.

Conditions:
Hermansky-Pudlak syndrome 3 (HPS3). Identifiers: Orphanet 231512, Orphanet 79430, MedGen C3888001, MONDO:0013555, OMIM 614072.

Submissions (2):

Labcorp Genetics (formerly Invitae), Labcorp
Classification: Pathogenic. Last evaluated: 2023-11-14. Review status: criteria provided, single submitter. Criteria: Invitae Variant Classification Sherloc (09022015). Collection method: clinical testing. Allele origin: germline.
Comment: This sequence change creates a premature translational stop signal (p.Ala416Valfs*27) in the HPS3 gene. It is expected to result in an absent or disrupted protein product. Loss-of-function variants in HPS3 are known to be pathogenic (PMID: 11590544). This variant is not present in population databases (gnomAD no frequency). This variant has not been reported in the literature in individuals affected with HPS3-related conditions. For these reasons, this variant has been classified as Pathogenic.

Baylor Genetics
Classification: Likely pathogenic for Hermansky-Pudlak syndrome 3. Last evaluated: 2023-02-08. Review status: criteria provided, single submitter. Criteria: ACMG Guidelines, 2015. Collection method: clinical testing. Allele origin: unknown.

Literature cited by the submitters: PubMed 11590544 (cited by Labcorp Genetics (formerly Invitae), Labcorp).